The following is an entry in ClinVar:

NM_004304.5(ALK):c.2632+2T>C

Gene: ALK (ALK receptor tyrosine kinase; minus strand). Cytogenetic location: 2p23.2.
Variant type: single nucleotide variant.
Coding change: c.2632+2T>C on transcript NM_004304.5 (MANE Select); the canonical splice donor site of the intron after coding-DNA position 2632, T replaced by C.
Molecular consequence: splice donor variant.
Genome position (GRCh38, 1-based): chr2:29,232,302, A>G on the plus strand (T>C on the coding strand, the complement: ALK is on the minus strand). VCF-style: chr2-29232302-A-G. GRCh37 (hg19) VCF-style: chr2-29455168-A-G.
Identifiers: ClinVar variation 2001259 (VCV002001259.4), dbSNP rs1664234806, ClinGen allele CA346471431.

ClinVar aggregate classification (germline): Uncertain significance (1 of 4 stars; one submission).

Conditions:
Neuroblastoma, susceptibility to, 3. Also called: ALK-Related Neuroblastic Tumor Susceptibility. Identifiers: Orphanet 635, MedGen C2751681, MONDO:0013083, OMIM 613014.

Allele frequency attached by ClinVar (database versions not stated): gnomAD exomes below 0.00001; gnomAD 0.00001.
gnomAD v4.1: 2 of 1,614,046 alleles (0.00012%); highest among the groups gnomAD compares: Non-Finnish European, 0.00017%; no homozygotes.

Submission:

Labcorp Genetics (formerly Invitae), Labcorp
Classification: Uncertain significance for Neuroblastoma, susceptibility to, 3. Last evaluated: 2022-11-07. Review status: criteria provided, single submitter. Criteria: Invitae Variant Classification Sherloc (09022015). Collection method: clinical testing. Allele origin: germline.
Comment: This sequence change affects a donor splice site in intron 15 of the ALK gene. It is expected to disrupt RNA splicing. Variants that disrupt the donor or acceptor splice site typically lead to a loss of protein function (PMID: 16199547), however the current clinical and genetic evidence is not sufficient to establish whether loss-of-function variants in ALK cause disease. Algorithms developed to predict the effect of sequence changes on RNA splicing suggest that this variant may disrupt the consensus splice site. In summary, the available evidence is currently insufficient to determine the role of this variant in disease. Therefore, it has been classified as a Variant of Uncertain Significance. This variant is not present in population databases (gnomAD no frequency). This variant has not been reported in the literature in individuals affected with ALK-related conditions.

Literature cited by the submitters: PubMed 16199547.